The following is an entry in ClinVar:

ClinVar aggregate classification (germline): Likely benign (1 of 4 stars; one submission).

Allele frequency attached by ClinVar (database versions not stated): gnomAD exomes 0.00002; gnomAD 0.00009; TOPMed 0.00014; 1000 Genomes Project 30x 0.00016; 1000 Genomes Project 0.00060.
gnomAD v4.1: 18 of 398,548 alleles (0.0045%); highest among the groups gnomAD compares: African/African-American, 0.027%; no homozygotes.

Submission:

CeGaT Center for Human Genetics Tuebingen
Classification: Likely benign. Last evaluated: 2026-09-01. Review status: criteria provided, single submitter. Criteria: CeGaT Center For Human Genetics Tuebingen Variant Classification Criteria Version 2. Collection method: clinical testing. Allele origin: germline. Affected: yes. Observed: 3 variant alleles.
Comment: CIC: BP4, BP7

NM_001386298.1(CIC):c.1692G>A (p.Thr564=)

Gene: CIC (capicua transcriptional repressor; plus strand). Cytogenetic location: 19q13.2.
Variant type: single nucleotide variant.
Coding change: c.1692G>A on transcript NM_001386298.1 (MANE Select); coding-DNA position 1692, G replaced by A.
Protein change: p.Thr564=; no amino-acid change (threonine 564 retained).
Molecular consequence: synonymous variant.
Genome position (GRCh38, 1-based): chr19:42,273,475, G>A. VCF-style: chr19-42273475-G-A. GRCh37 (hg19) VCF-style: chr19-42777627-G-A.
Other names: c.1692G>A, p.Thr564= (NM_001304815.2, NM_001379480.1, NM_001379482.1 and 1 more transcripts).
Identifiers: ClinVar variation 3239258 (VCV003239258.19), dbSNP rs572653812.